The following is an entry in ClinVar:

NM_001854.4(COL11A1):c.2142+734A>G

Gene: COL11A1 (collagen type XI alpha 1 chain; minus strand). Cytogenetic location: 1p21.1.
Variant type: single nucleotide variant.
Coding change: c.2142+734A>G on transcript NM_001854.4 (MANE Select); 734 bases into the intron after coding-DNA position 2142, A replaced by G.
Molecular consequence: intron variant.
Genome position (GRCh38, 1-based): chr1:103,001,191, T>C on the plus strand (A>G on the coding strand, the complement: COL11A1 is on the minus strand). VCF-style: chr1-103001191-T-C. GRCh37 (hg19) VCF-style: chr1-103466747-T-C.
Other names: c.2025+734A>G (NM_001190709.2); c.2178+734A>G (NM_080629.3); c.1794+734A>G (NM_080630.4).
Identifiers: ClinVar variation 2638950 (VCV002638950.24), dbSNP rs183486843, ClinGen allele CA27727148.

ClinVar aggregate classification (germline): Likely benign (1 of 4 stars; one submission).

Allele frequency attached by ClinVar (database versions not stated): 1000 Genomes Project 30x 0.00031; 1000 Genomes Project 0.00040; TOPMed 0.00065; gnomAD exomes 0.00087.
gnomAD v4.1: 337 of 397,678 alleles (0.085%); highest among the groups gnomAD compares: Middle Eastern, 0.38%; no homozygotes.

Submission:

CeGaT Center for Human Genetics Tuebingen
Classification: Likely benign. Last evaluated: 2026-08-01. Review status: criteria provided, single submitter. Criteria: CeGaT Center For Human Genetics Tuebingen Variant Classification Criteria Version 2. Collection method: clinical testing. Allele origin: germline. Affected: yes. Observed: 3 variant alleles.
Comment: COL11A1: BP4